The following is an entry in ClinVar:

NM_000836.4(GRIN2D):c.191C>T (p.Ala64Val)

Genes: GRIN2D (glutamate ionotropic receptor NMDA type subunit 2D; plus strand), LOC130064855 (ATAC-STARR-seq lymphoblastoid silent region 10879; plus strand). Cytogenetic location: 19q13.33.
Variant type: single nucleotide variant.
Coding change: c.191C>T on transcript NM_000836.4 (MANE Select); coding-DNA position 191, C replaced by T.
Protein change: p.Ala64Val; replaces alanine 64 with valine.
Molecular consequence: missense variant.
Genome position (GRCh38, 1-based): chr19:48,398,583, C>T. VCF-style: chr19-48398583-C-T. GRCh37 (hg19) VCF-style: chr19-48901840-C-T.
Other names: short protein forms A64V.
Identifiers: ClinVar variation 1878582 (VCV001878582.1), dbSNP rs2516062039, ClinGen allele CA406688471.
Genomic context (GRCh38, chr19:48,398,583, plus strand): 5'-GCCTCGGCGGGGCGCGGCCGCTCAACGTGGCGCTCGTGTTCTCGGGGCCCGCGTACGCGG[C>T]CGAGGCGGCACGCCTGGGCCCGGCCGTGGCGGCGGCGGTGCGCAGCCCGGGCCTAGACGT-3'
Protein context (NP_000827.2, residues 54-74): ALVFSGPAYA[Ala64Val]EAARLGPAVA

ClinVar aggregate classification (germline): Uncertain significance (1 of 4 stars; one submission).

Conditions:
Developmental and epileptic encephalopathy, 46 (DEE46). Also called: GRIN2D-Related Developmental and Epileptic Encephalopathy; Epileptic encephalopathy, early infantile, 46. Identifiers: MedGen C4310687, MONDO:0014947, OMIM 617162.

Allele frequency attached by ClinVar (database versions not stated): gnomAD exomes below 0.00001.
gnomAD v4.1: 2 of 1,196,792 alleles (0.00017%); highest among the groups gnomAD compares: South Asian, 0.0081%; no homozygotes.

Submission:

Neuberg Centre For Genomic Medicine, NCGM
Classification: Uncertain significance for Developmental and epileptic encephalopathy, 46. Review status: criteria provided, single submitter. Criteria: ACMG Guidelines, 2015. Collection method: clinical testing. Allele origin: germline. Affected: yes.
Comment: The missense variant c.191C>T (p.Ala64Val) in GRIN2D gene has not been reported previously as a pathogenic variant nor as a benign variant, to our knowledge. The p.Ala64Val variant is novel (not in any individuals) in gnomAD Exomes and 1000 Genomes. The amino acid Ala at position 64 is changed to a Val changing protein sequence and it might alter its composition and physico-chemical properties. In silico tools predict the variant to be tolerated. The residue is conserved across species. The amino acid change p.Ala64Val in GRIN2D is predicted as conserved by GERP++ and PhyloP across 100 vertebrates. For these reasons, this variant has been classified as Uncertain Significance.